The following is an entry in ClinVar:

NM_001349253.2(SCN11A):c.4825A>G (p.Thr1609Ala)

Gene: SCN11A (sodium voltage-gated channel alpha subunit 11; minus strand). Cytogenetic location: 3p22.2.
Variant type: single nucleotide variant.
Coding change: c.4825A>G on transcript NM_001349253.2 (MANE Select); coding-DNA position 4825, A replaced by G.
Protein change: p.Thr1609Ala; replaces threonine 1609 with alanine.
Molecular consequence: missense variant.
Genome position (GRCh38, 1-based): chr3:38,847,245, T>C on the plus strand (A>G on the coding strand, the complement: SCN11A is on the minus strand). VCF-style: chr3-38847245-T-C. GRCh37 (hg19) VCF-style: chr3-38888736-T-C.
Other names: c.4825A>G, p.Thr1609Ala (NM_014139.3); short protein forms T1609A.
Identifiers: ClinVar variation 541605 (VCV000541605.20), dbSNP rs755516018, ClinGen allele CA2321451.

ClinVar aggregate classification (germline): Likely benign. Review status: criteria provided, multiple submitters, no conflicts (2 of 4 stars). 4 submissions from 4 submitters: Likely benign (4). Last evaluated 2025-12-16.

Conditions:
Inborn genetic diseases. Identifiers: MedGen C0950123, MeSH D030342.
Hereditary sensory and autonomic neuropathy type 7. Also called: Neuropathy, hereditary sensory and autonomic, type VII; HSAN VII. Identifiers: Orphanet 391397, MedGen C3809882, MONDO:0014244, OMIM 615548.
Familial episodic pain syndrome with predominantly lower limb involvement. Also called: Episodic pain syndrome, familial, 3. Identifiers: Orphanet 391384, Orphanet 391392, MedGen C3809899, MONDO:0014247, OMIM 615552.
SCN11A-related disorder. Also called: SCN11A-related condition.

Allele frequency attached by ClinVar (database versions not stated): gnomAD 0.00001 and 0.00007; TOPMed 0.00003; gnomAD exomes 0.00013 and 0.00026; ExAC 0.00022.
gnomAD v4.1: 215 of 1,614,042 alleles (0.013%); highest among the groups gnomAD compares: South Asian, 0.17%; 2 homozygotes.

Submissions (4):

PreventionGenetics, part of Exact Sciences
Classification: Likely benign for SCN11A-related condition. Last evaluated: 2025-12-16. Review status: criteria provided, single submitter. Criteria: ACMG Guidelines, 2015. Collection method: clinical testing. Allele origin: germline.
Comment: This variant is classified as likely benign based on ACMG/AMP sequence variant interpretation guidelines (Richards et al. 2015 PMID: 25741868, with internal and published modifications).

Labcorp Genetics (formerly Invitae), Labcorp
Classification: Likely benign for Familial episodic pain syndrome with predominantly lower limb involvement; Hereditary sensory and autonomic neuropathy type 7. Last evaluated: 2025-12-15. Review status: criteria provided, single submitter. Criteria: Invitae Variant Classification Sherloc (09022015). Collection method: clinical testing. Allele origin: germline.

CeGaT Center for Human Genetics Tuebingen
Classification: Likely benign. Last evaluated: 2025-04-01. Review status: criteria provided, single submitter. Criteria: CeGaT Center For Human Genetics Tuebingen Variant Classification Criteria Version 2. Collection method: clinical testing. Allele origin: germline. Affected: yes. Observed: 1 variant allele.
Comment: SCN11A: BS1

Ambry Genetics
Classification: Likely benign for Inborn genetic diseases. Last evaluated: 2021-03-20. Review status: criteria provided, single submitter. Criteria: Ambry Variant Classification Scheme 2023. Collection method: clinical testing. Allele origin: germline.